The following is an entry in ClinVar:

ClinVar aggregate classification (germline): Uncertain significance (1 of 4 stars; one submission).

Allele frequency attached by ClinVar (database versions not stated): gnomAD 0.00001.
gnomAD v4.1: 7 of 1,610,338 alleles (0.00043%); highest among the groups gnomAD compares: Admixed American, 0.0017%; no homozygotes.

Submission:

Labcorp Genetics (formerly Invitae), Labcorp
Classification: Uncertain significance. Last evaluated: 2023-06-19. Review status: criteria provided, single submitter. Criteria: Invitae Variant Classification Sherloc (09022015). Collection method: clinical testing. Allele origin: germline.
Comment: This sequence change replaces arginine, which is basic and polar, with tryptophan, which is neutral and slightly polar, at codon 132 of the CHD4 protein (p.Arg132Trp). This variant is not present in population databases (gnomAD no frequency). This variant has not been reported in the literature in individuals affected with CHD4-related conditions. An algorithm developed to predict the effect of missense changes on protein structure and function (PolyPhen-2) suggests that this variant is likely to be disruptive. In summary, the available evidence is currently insufficient to determine the role of this variant in disease. Therefore, it has been classified as a Variant of Uncertain Significance.

NM_001273.5(CHD4):c.394C>T (p.Arg132Trp)

Gene: CHD4 (chromodomain helicase DNA binding protein 4; minus strand). Cytogenetic location: 12p13.31.
Variant type: single nucleotide variant.
Coding change: c.394C>T on transcript NM_001273.5 (MANE Select); coding-DNA position 394, C replaced by T.
Protein change: p.Arg132Trp; replaces arginine 132 with tryptophan.
Molecular consequence: missense variant.
Genome position (GRCh38, 1-based): chr12:6,602,004, G>A on the plus strand (C>T on the coding strand, the complement: CHD4 is on the minus strand). VCF-style: chr12-6602004-G-A. GRCh37 (hg19) VCF-style: chr12-6711170-G-A.
Other names: c.373C>T, p.Arg125Trp (NM_001297553.2); c.394C>T, p.Arg132Trp (NM_001363606.2); short protein forms R125W, R132W.
Identifiers: ClinVar variation 2883504 (VCV002883504.3), dbSNP rs761102450, ClinGen allele CA232400455.
Genomic context (GRCh38, chr12:6,602,004, plus strand): 5'-ATGGAGGTCCAGGCACCTTTGAATCATCATCATCATCCTCCTCCTCCTCCTCCTCCTTCC[G>A]CTTGGATTTGCTCTTCTTCTCTTTCTTAGGTCCAAGCTTCTTCTTCTTCTTCTTGCCAGG-3'
Protein context (NP_001264.2, residues 122-142): PKKEKKSKSK[Arg132Trp]KEEEEEEDDD